The following is an entry in ClinVar:

ClinVar aggregate classification (germline): Uncertain significance (1 of 4 stars; one submission).

Conditions:
Familial thoracic aortic aneurysm and aortic dissection (TAAD). Also called: Thoracic aortic aneurysms and dissections. Identifiers: Orphanet 91387, MedGen C4707243, MONDO:0019625.

Submission:

Labcorp Genetics (formerly Invitae), Labcorp
Classification: Uncertain significance for Familial thoracic aortic aneurysm and aortic dissection. Last evaluated: 2018-12-25. Review status: criteria provided, single submitter. Criteria: Invitae Variant Classification Sherloc (09022015). Collection method: clinical testing. Allele origin: germline.
Comment: This variant is not present in population databases (ExAC no frequency). In summary, the available evidence is currently insufficient to determine the role of this variant in disease. Therefore, it has been classified as a Variant of Uncertain Significance. Algorithms developed to predict the effect of missense changes on protein structure and function are either unavailable or do not agree on the potential impact of this missense change (SIFT: "Deleterious"; PolyPhen-2: "Probably Damaging"; Align-GVGD: "Class C0"). This variant has not been reported in the literature in individuals with TGFBR2-related conditions. This sequence change replaces glycine with serine at codon 509 of the TGFBR2 protein (p.Gly509Ser). The glycine residue is highly conserved and there is a small physicochemical difference between glycine and serine.

NM_003242.6(TGFBR2):c.1525G>A (p.Gly509Ser)

Gene: TGFBR2 (transforming growth factor beta receptor 2; plus strand). Cytogenetic location: 3p24.1.
Variant type: single nucleotide variant.
Coding change: c.1525G>A on transcript NM_003242.6 (MANE Select); coding-DNA position 1525, G replaced by A.
Protein change: p.Gly509Ser; replaces glycine 509 with serine.
Molecular consequence: missense variant.
Genome position (GRCh38, 1-based): chr3:30,691,420, G>A. VCF-style: chr3-30691420-G-A. GRCh37 (hg19) VCF-style: chr3-30732912-G-A.
Other names: c.1600G>A, p.Gly534Ser (NM_001024847.3); c.1708G>A, p.Gly570Ser (NM_001407126.1); c.1633G>A, p.Gly545Ser (NM_001407127.1); c.1552G>A, p.Gly518Ser (NM_001407128.1); c.1528G>A, p.Gly510Ser (NM_001407129.1); c.1522G>A, p.Gly508Ser (NM_001407130.1); c.1420G>A, p.Gly474Ser (NM_001407132.1, NM_001407133.1, NM_001407134.1 and 2 more transcripts); c.1240G>A, p.Gly414Ser (NM_001407137.1); and 2 more; short protein forms G534S, G509S, G219S, G414S, G510S, G518S, G545S, G474S.
Identifiers: ClinVar variation 661803 (VCV000661803.6), dbSNP rs1575166620, ClinGen allele CA351809476.
Genomic context (GRCh38, chr3:30,691,420, plus strand): 5'-CCTTGCCTTCCGCGGAGCCCACCAACTCATGGTGCCCTTTGGATCTCTTTCCCGCTACAG[G>A]GCATCCAGATGGTGTGTGAGACGTTGACTGAGTGCTGGGACCACGACCCAGAGGCCCGTC-3'
Protein context (NP_003233.4, residues 499-519): EIPSFWLNHQ[Gly509Ser]IQMVCETLTE